The following is an entry in ClinVar:

ClinVar aggregate classification (germline): Uncertain significance (1 of 4 stars; one submission).

Conditions:
LSR-related condition.

gnomAD v4.1: 7 of 1,522,836 alleles (0.00046%); highest among the groups gnomAD compares: African/African-American, 0.0098%; no homozygotes.

Submission:

PreventionGenetics, part of Exact Sciences
Classification: Uncertain significance for LSR-related condition. Last evaluated: 2026-07-28. Review status: criteria provided, single submitter. Criteria: ACMG Guidelines, 2015. Collection method: clinical testing. Allele origin: germline.
Comment: The LSR c.1366C>T variant is predicted to result in the amino acid substitution p.Arg456Trp. To our knowledge, this variant has not been reported in the literature. This variant is reported in 0.014% of alleles in individuals of African descent in gnomAD. At this time, the clinical significance of this variant is uncertain due to the absence of conclusive functional and genetic evidence.

NM_205834.4(LSR):c.1222C>T (p.Arg408Trp)

Gene: LSR (lipolysis stimulated lipoprotein receptor; plus strand). Cytogenetic location: 19q13.12.
Variant type: single nucleotide variant.
Coding change: c.1222C>T on transcript NM_205834.4 (MANE Select); coding-DNA position 1222, C replaced by T.
Protein change: p.Arg408Trp; replaces arginine 408 with tryptophan.
Molecular consequence: missense variant.
Genome position (GRCh38, 1-based): chr19:35,267,186, C>T. VCF-style: chr19-35267186-C-T. GRCh37 (hg19) VCF-style: chr19-35758089-C-T.
Other names: c.1162C>T, p.Arg388Trp (NM_001260489.2); c.898C>T, p.Arg300Trp (NM_001260490.2); c.1015C>T, p.Arg339Trp (NM_001385215.1); c.1165C>T, p.Arg389Trp (NM_015925.7); c.1018C>T, p.Arg340Trp (NM_205835.4); short protein forms R388W, R389W, R300W, R339W, R408W, R340W.
Identifiers: ClinVar variation 4999021 (VCV004999021.1).